The following is an entry in ClinVar:

ClinVar aggregate classification (germline): Conflicting classifications of pathogenicity. Review status: criteria provided, conflicting classifications (1 of 4 stars). 3 submissions from 3 submitters: Uncertain significance (2); Likely benign (1). Last evaluated 2025-07-21.

Conditions:
Hypertrophic cardiomyopathy 26. Also called: Cardiomyopathy, familial hypertrophic, 26. Identifiers: Orphanet 75249, MedGen C4310749, MONDO:0014883, OMIM 617047.
Myofibrillar myopathy 5. Also called: Filaminopathy (type); FILAMINOPATHY, AUTOSOMAL DOMINANT. Identifiers: Orphanet 171445, MedGen C1836050, MONDO:0012289, OMIM 609524.
Distal myopathy with posterior leg and anterior hand involvement. Also called: WILLIAMS DISTAL MYOPATHY. Identifiers: Orphanet 63273, MedGen C3279722, MONDO:0013550, OMIM 614065.
Cardiovascular phenotype. Identifiers: MedGen CN230736.

gnomAD v4.1: 3 of 1,613,748 alleles (0.00019%); highest among the groups gnomAD compares: African/African-American, 0.004%; no homozygotes.

Submissions (3):

Labcorp Genetics (formerly Invitae), Labcorp
Classification: Likely benign for Distal myopathy with posterior leg and anterior hand involvement; Myofibrillar myopathy 5; Hypertrophic cardiomyopathy 26. Last evaluated: 2025-07-21. Review status: criteria provided, single submitter. Criteria: Invitae Variant Classification Sherloc (09022015). Collection method: clinical testing. Allele origin: germline.

Ambry Genetics
Classification: Uncertain significance for Cardiovascular phenotype. Last evaluated: 2025-03-22. Review status: criteria provided, single submitter. Criteria: Ambry Variant Classification Scheme 2023. Collection method: clinical testing. Allele origin: germline.

ARUP Laboratories, Molecular Genetics and Genomics, ARUP Laboratories
Classification: Uncertain significance. Last evaluated: 2024-09-16. Review status: criteria provided, single submitter. Criteria: ARUP Molecular Germline Variant Investigation Process 2024. Collection method: clinical testing. Allele origin: germline.
Comment: The FLNC c.7210C>G; p.Leu2404Val variant (rs764034824), to our knowledge, is not reported in the medical literature or gene specific databases. This variant is found in the African population with an allele frequency of 0.02% (3/15,558 alleles) in the Genome Aggregation Database (v2.1.1). Computational analyses are uncertain whether this variant is neutral or deleterious (REVEL: 0.253). Due to limited information, the clinical significance of this variant is uncertain at this time.

NM_001458.5(FLNC):c.7210C>G (p.Leu2404Val)

Genes: FLNC (filamin C; plus strand), FLNC-AS1 (FLNC antisense RNA 1; minus strand). Cytogenetic location: 7q32.1.
Variant type: single nucleotide variant.
Coding change: c.7210C>G on transcript NM_001458.5 (MANE Select); coding-DNA position 7210, C replaced by G.
Protein change: p.Leu2404Val; replaces leucine 2404 with valine.
Molecular consequence: missense variant.
Genome position (GRCh38, 1-based): chr7:128,855,273, C>G. VCF-style: chr7-128855273-C-G. GRCh37 (hg19) VCF-style: chr7-128495327-C-G.
Other names: c.7111C>G, p.Leu2371Val (NM_001127487.2); short protein forms L2371V, L2404V.
Identifiers: ClinVar variation 3766837 (VCV003766837.3).